The following is an entry in ClinVar:

ClinVar aggregate classification (germline): Benign/Likely benign. Review status: criteria provided, multiple submitters, no conflicts (2 of 4 stars). 3 submissions from 3 submitters: Benign (1); Likely benign (2). Last evaluated 2026-01-14.

Conditions:
Inborn genetic diseases. Identifiers: MedGen C0950123, MeSH D030342.

Allele frequency attached by ClinVar (database versions not stated): ESP Exome Variant Server 0.00008; gnomAD 0.00013 and 0.00014; ExAC 0.00031; gnomAD exomes 0.00008; TOPMed 0.00008.
gnomAD v4.1: 211 of 1,586,962 alleles (0.013%); highest among the groups gnomAD compares: Middle Eastern, 0.033%; no homozygotes.

Submissions (3):

Labcorp Genetics (formerly Invitae), Labcorp
Classification: Benign. Last evaluated: 2026-01-14. Review status: criteria provided, single submitter. Criteria: Invitae Variant Classification Sherloc (09022015). Collection method: clinical testing. Allele origin: germline.

CeGaT Center for Human Genetics Tuebingen
Classification: Likely benign. Last evaluated: 2025-10-01. Review status: criteria provided, single submitter. Criteria: CeGaT Center For Human Genetics Tuebingen Variant Classification Criteria Version 2. Collection method: clinical testing. Allele origin: germline. Affected: yes. Observed: 2 variant alleles.
Comment: NEDD4L: BS2

Ambry Genetics
Classification: Likely benign for Inborn genetic diseases. Last evaluated: 2023-08-20. Review status: criteria provided, single submitter. Criteria: Ambry Variant Classification Scheme 2023. Collection method: clinical testing. Allele origin: germline.

NM_001144967.3(NEDD4L):c.163A>G (p.Asn55Asp)

Gene: NEDD4L (NEDD4 like E3 ubiquitin protein ligase; plus strand). Cytogenetic location: 18q21.31.
Variant type: single nucleotide variant.
Coding change: c.163A>G on transcript NM_001144967.3 (MANE Select); coding-DNA position 163, A replaced by G.
Protein change: p.Asn55Asp; replaces asparagine 55 with aspartic acid.
Molecular consequence: missense variant. On other transcripts: 5 prime UTR variant (5).
Genome position (GRCh38, 1-based): chr18:58,245,467, A>G. VCF-style: chr18-58245467-A-G. GRCh37 (hg19) VCF-style: chr18-55912699-A-G.
Other names: c.-201A>G (NM_001144964.1, NM_001144965.2, NM_001144966.3 and 2 more transcripts); c.139A>G, p.Asn47Asp (NM_001144968.2, NM_001144969.2); c.163A>G, p.Asn55Asp (NM_001243960.2, NM_015277.6); short protein forms N55D, N47D.
Identifiers: ClinVar variation 640040 (VCV000640040.20), dbSNP rs200025824, ClinGen allele CA8975246.